The following is an entry in ClinVar:

ClinVar aggregate classification (germline): Uncertain significance (1 of 4 stars; one submission).

Conditions:
DCHS1-related disorder. Also called: DCHS1-related condition.

gnomAD v4.1: 6 of 1,489,218 alleles (0.0004%); highest among the groups gnomAD compares: Non-Finnish European, 0.00053%; no homozygotes.

Submission:

PreventionGenetics, part of Exact Sciences
Classification: Uncertain significance for DCHS1-related condition. Last evaluated: 2024-10-17. Review status: criteria provided, single submitter. Criteria: ACMG Guidelines, 2015. Collection method: clinical testing. Allele origin: germline.
Comment: The DCHS1 c.4367A>G variant is predicted to result in the amino acid substitution p.Tyr1456Cys. To our knowledge, this variant has not been reported in the literature. This variant is reported in 0.0% of alleles in individuals of African descent in gnomAD. At this time, the clinical significance of this variant is uncertain due to the absence of conclusive functional and genetic evidence.

NM_003737.4(DCHS1):c.4367A>G (p.Tyr1456Cys)

Gene: DCHS1 (dachsous cadherin-related 1; minus strand). Cytogenetic location: 11p15.4.
Variant type: single nucleotide variant.
Coding change: c.4367A>G on transcript NM_003737.4 (MANE Select); coding-DNA position 4367, A replaced by G.
Protein change: p.Tyr1456Cys; replaces tyrosine 1456 with cysteine.
Molecular consequence: missense variant.
Genome position (GRCh38, 1-based): chr11:6,630,427, T>C on the plus strand (A>G on the coding strand, the complement: DCHS1 is on the minus strand). VCF-style: chr11-6630427-T-C. GRCh37 (hg19) VCF-style: chr11-6651658-T-C.
Other names: short protein forms Y1456C.
Identifiers: ClinVar variation 4985565 (VCV004985565.1).